The following is an entry in ClinVar:

NM_001458.5(FLNC):c.7138G>C (p.Asp2380His)

Genes: FLNC-AS1 (FLNC antisense RNA 1; minus strand), FLNC (filamin C; plus strand). Cytogenetic location: 7q32.1.
Variant type: single nucleotide variant.
Coding change: c.7138G>C on transcript NM_001458.5 (MANE Select); coding-DNA position 7138, G replaced by C.
Protein change: p.Asp2380His; replaces aspartic acid 2380 with histidine.
Molecular consequence: missense variant.
Genome position (GRCh38, 1-based): chr7:128,855,201, G>C. VCF-style: chr7-128855201-G-C. GRCh37 (hg19) VCF-style: chr7-128495255-G-C.
Other names: c.7039G>C, p.Asp2347His (NM_001127487.2); short protein forms D2380H, D2347H.
Identifiers: ClinVar variation 539401 (VCV000539401.9), dbSNP rs1334300883, ClinGen allele CA369215503.

ClinVar aggregate classification (germline): Uncertain significance (1 of 4 stars; one submission).

Conditions:
Distal myopathy with posterior leg and anterior hand involvement. Also called: WILLIAMS DISTAL MYOPATHY. Identifiers: Orphanet 63273, MedGen C3279722, MONDO:0013550, OMIM 614065.
Myofibrillar myopathy 5. Also called: Filaminopathy (type); FILAMINOPATHY, AUTOSOMAL DOMINANT. Identifiers: Orphanet 171445, MedGen C1836050, MONDO:0012289, OMIM 609524.
Hypertrophic cardiomyopathy 26. Also called: Cardiomyopathy, familial hypertrophic, 26. Identifiers: Orphanet 75249, MedGen C4310749, MONDO:0014883, OMIM 617047.

Submission:

Labcorp Genetics (formerly Invitae), Labcorp
Classification: Uncertain significance for Distal myopathy with posterior leg and anterior hand involvement; Myofibrillar myopathy 5; Hypertrophic cardiomyopathy 26. Last evaluated: 2020-01-28. Review status: criteria provided, single submitter. Criteria: Invitae Variant Classification Sherloc (09022015). Collection method: clinical testing. Allele origin: germline.
Comment: This variant is not present in population databases (ExAC no frequency). In summary, the available evidence is currently insufficient to determine the role of this variant in disease. Therefore, it has been classified as a Variant of Uncertain Significance. Algorithms developed to predict the effect of missense changes on protein structure and function do not agree on the potential impact of this missense change (SIFT: "Deleterious"; PolyPhen-2: "Probably Damaging"; Align-GVGD: "Class C0"). This variant has not been reported in the literature in individuals with FLNC-related disease. This sequence change replaces aspartic acid with histidine at codon 2380 of the FLNC protein (p.Asp2380His). The aspartic acid residue is highly conserved and there is a moderate physicochemical difference between aspartic acid and histidine.